The following is an entry in ClinVar:

NM_020831.6(MRTFA):c.2365C>T (p.Pro789Ser)

Gene: MRTFA (myocardin related transcription factor A; minus strand). Cytogenetic location: 22q13.1.
Variant type: single nucleotide variant.
Coding change: c.2365C>T on transcript NM_020831.6 (MANE Select); coding-DNA position 2365, C replaced by T.
Protein change: p.Pro789Ser; replaces proline 789 with serine.
Molecular consequence: missense variant.
Genome position (GRCh38, 1-based): chr22:40,417,493, G>A on the plus strand (C>T on the coding strand, the complement: MRTFA is on the minus strand). VCF-style: chr22-40417493-G-A. GRCh37 (hg19) VCF-style: chr22-40813497-G-A.
Other names: c.2065C>T, p.Pro689Ser (NM_001282660.2); c.2215C>T, p.Pro739Ser (NM_001282661.3); c.2365C>T, p.Pro789Ser (NM_001282662.3); c.2170C>T, p.Pro724Ser (NM_001318139.2); short protein forms P724S, P739S, P789S, P689S.
Identifiers: ClinVar variation 2977189 (VCV002977189.3), dbSNP rs1259933096, ClinGen allele CA411656280.
Genomic context (GRCh38, chr22:40,417,493, plus strand): 5'-GGTGCTCCAGGTCCATCTGGGCAGAGGGGGCAGGCGCTGGAGAGCCAGGCTGGGACGAGG[G>A]CTGGACAGGAGAGCAGGGAGAGGACCAGTGGCCAGGGGGCTGGGGGTGCAGACCTGCCTT-3'
Protein context (NP_065882.2, residues 779-799): PGLSSGSPQQ[Pro789Ser]SSQPGSPAPA

ClinVar aggregate classification (germline): Uncertain significance (1 of 4 stars; one submission).

Allele frequency attached by ClinVar (database versions not stated): gnomAD exomes below 0.00001; TOPMed below 0.00001.
gnomAD v4.1: 1 of 1,497,366 alleles (0.000067%); highest among the groups gnomAD compares: Non-Finnish European, 0.00009%; no homozygotes.

Submission:

Labcorp Genetics (formerly Invitae), Labcorp
Classification: Uncertain significance. Last evaluated: 2023-02-10. Review status: criteria provided, single submitter. Criteria: Invitae Variant Classification Sherloc (09022015). Collection method: clinical testing. Allele origin: germline.
Comment: This sequence change replaces proline, which is neutral and non-polar, with serine, which is neutral and polar, at codon 689 of the MKL1 protein (p.Pro689Ser). This variant is not present in population databases (gnomAD no frequency). This variant has not been reported in the literature in individuals affected with MKL1-related conditions. Algorithms developed to predict the effect of missense changes on protein structure and function output the following: SIFT: "Tolerated"; PolyPhen-2: "Benign"; Align-GVGD: "Class C0". The serine amino acid residue is found in multiple mammalian species, which suggests that this missense change does not adversely affect protein function. In summary, the available evidence is currently insufficient to determine the role of this variant in disease. Therefore, it has been classified as a Variant of Uncertain Significance.